The following is an entry in ClinVar:

ClinVar aggregate classification (germline): Likely pathogenic. Review status: criteria provided, multiple submitters, no conflicts (2 of 4 stars). 2 submissions from 2 submitters: Likely pathogenic (2). Last evaluated 2022-09-01.

Conditions:
SYT1-related disorder. Also called: SYT1-related condition.
Infantile hypotonia-oculomotor anomalies-hyperkinetic movements-developmental delay syndrome. Also called: BAKER-GORDON SYNDROME; NEURODEVELOPMENTAL DISORDER WITH INVOLUNTARY MOVEMENT AND ABNORMAL ELECTROENCEPHALOGRAM. Identifiers: Orphanet 522077, MedGen C4748715, MONDO:0033864, OMIM 618218.

Submissions (2):

3billion
Classification: Likely pathogenic for Infantile hypotonia-oculomotor anomalies-hyperkinetic movements-developmental delay syndrome. Last evaluated: 2022-09-01. Review status: criteria provided, single submitter. Criteria: ACMG Guidelines, 2015. Collection method: clinical testing. Allele origin: germline. Affected: yes. Observed: 1 heterozygote.
Comment: The variant is not observed in the gnomAD v2.1.1 dataset. It is located in a mutational hot spot and/or well-established functional domain in which established pathogenic variants have been reported. Inframe insertion located in a nonrepeat region is predicted to change the length of the protein and disrupt normal protein function. Therefore, this variant is classified as Likely pathogenic according to the recommendation of ACMG/AMP guideline.

Blueprint Genetics
Classification: Likely pathogenic for SYT1-related disorders. Last evaluated: 2020-06-01. Review status: criteria provided, single submitter. Criteria: ACMG Guidelines, 2015. Collection method: clinical testing. Allele origin: germline. Affected: yes. Observed: 1 variant allele.

NM_005639.3(SYT1):c.1101_1103dup (p.Lys367_Ile368insMet)

Gene: SYT1 (synaptotagmin 1; plus strand). Cytogenetic location: 12q21.2.
Variant type: Duplication.
Coding change: c.1101_1103dup on transcript NM_005639.3 (MANE Select); coding-DNA positions 1101 to 1103, 3 bases duplicated (GAT; older notation c.1101_1103dupGAT).
Protein change: p.Lys367_Ile368insMet.
Molecular consequence: inframe insertion.
Genome position (GRCh38, 1-based): chr12:79,448,956-79,448,958, GAT duplicated. VCF-style (leftmost placement, unchanged base first): chr12-79448955-A-AGAT. GRCh37 (hg19) VCF-style: chr12-79842735-A-AGAT.
Other names: c.1101_1103dup, p.Lys367_Ile368insMet (NM_001135805.2, NM_001135806.2); c.1092_1094dup, p.Lys364_Ile365insMet (NM_001291901.2).
Identifiers: ClinVar variation 1705448 (VCV001705448.2), dbSNP rs2547785983, ClinGen allele CA2580086680.